The following is an entry in ClinVar:

NM_004525.3(LRP2):c.1147C>T (p.Gln383Ter)

Gene: LRP2 (LDL receptor related protein 2; minus strand). Cytogenetic location: 2q31.1.
Variant type: single nucleotide variant.
Coding change: c.1147C>T on transcript NM_004525.3 (MANE Select); coding-DNA position 1147, C replaced by T.
Protein change: p.Gln383Ter; replaces glutamine 383 with a stop codon.
Molecular consequence: nonsense.
Genome position (GRCh38, 1-based): chr2:169,282,897, G>A on the plus strand (C>T on the coding strand, the complement: LRP2 is on the minus strand). VCF-style: chr2-169282897-G-A. GRCh37 (hg19) VCF-style: chr2-170139407-G-A.
Other names: short protein forms Q383*.
Identifiers: ClinVar variation 5013239 (VCV005013239.1).
Genomic context (GRCh38, chr2:169,282,897, plus strand): 5'-ACTGTTCAGAGACACAGGTGTCCATAATTTACTCACAGGAATCATTAGCTTTGCAATACT[G>A]TCCACGCTCCAAGATATACCCTTCTTCACAGTGGCACAGGTGACGGCCAGGTCGGCTTTC-3'

ClinVar aggregate classification (germline): Pathogenic (1 of 4 stars; one submission).

Conditions:
Donnai-Barrow syndrome. Also called: DBS/FOAR SYNDROME; FACIOOCULOACOUSTICORENAL SYNDROME. Identifiers: Orphanet 2143, MedGen C1857277, MONDO:0009104, OMIM 222448.

Submission:

Myriad Genetics, Inc.
Classification: Pathogenic for Donnai-Barrow syndrome. Last evaluated: 2024-06-27. Review status: criteria provided, single submitter. Criteria: Myriad Autosomal Dominant, Autosomal Recessive and X-Linked Classification Criteria (2023). Collection method: clinical testing. Allele origin: unknown.
Comment: NM_004525.2(LRP2):c.1147C>T(Q383*) is expected to be pathogenic in the context of Donnai-Barrow syndrome. This variant is predicted to lead to an abnormal or absent protein product due to the creation of a premature termination codon in LRP2, a gene where loss-of-function variants are known to be pathogenic. Please note: this variant was assessed in the context of healthy population screening.